The following is an entry in ClinVar:

ClinVar aggregate classification (germline): Likely benign (1 of 4 stars; one submission).

Conditions:
ACOX2-related disorder. Also called: ACOX2-related condition.

gnomAD v4.1: 12 of 1,613,994 alleles (0.00074%); highest among the groups gnomAD compares: South Asian, 0.012%; no homozygotes.

Submission:

PreventionGenetics, part of Exact Sciences
Classification: Likely benign for ACOX2-related condition. Last evaluated: 2026-05-15. Review status: criteria provided, single submitter. Criteria: ACMG Guidelines, 2015. Collection method: clinical testing. Allele origin: germline.
Comment: This variant is classified as likely benign based on ACMG/AMP sequence variant interpretation guidelines (Richards et al. 2015 PMID: 25741868, with internal and published modifications).

NM_003500.4(ACOX2):c.561C>T (p.Ala187=)

Gene: ACOX2 (acyl-CoA oxidase 2; minus strand). Cytogenetic location: 3p14.3.
Variant type: single nucleotide variant.
Coding change: c.561C>T on transcript NM_003500.4 (MANE Select); coding-DNA position 561, C replaced by T.
Protein change: p.Ala187=; no amino-acid change (alanine 187 retained).
Molecular consequence: synonymous variant.
Genome position (GRCh38, 1-based): chr3:58,533,467, G>A on the plus strand (C>T on the coding strand, the complement: ACOX2 is on the minus strand). VCF-style: chr3-58533467-G-A. GRCh37 (hg19) VCF-style: chr3-58519194-G-A.
Identifiers: ClinVar variation 4986066 (VCV004986066.1).
Genomic context (GRCh38, chr3:58,533,467, plus strand): 5'-TGGGGAGAGTTAAGGAAGGGGGGTGGATGTATACTCACAGTCTCCAGGCCACCATTTGGT[G>A]GCAGTCAGCGTGGGGCTGTGTATCACAAACTCCTGGGTGGCTGCGTCATAGGTGGCTTCA-3'
Protein context (NP_003491.1, residues 177-197): EFVIHSPTLT[Ala187=]TKWWPGDLGR